The following is an entry in ClinVar:

ClinVar aggregate classification (germline): Conflicting classifications of pathogenicity. Review status: criteria provided, conflicting classifications (1 of 4 stars). 4 submissions from 4 submitters: Uncertain significance (3); Likely benign (1). Last evaluated 2025-12-16.

Conditions:
Inborn genetic diseases. Identifiers: MedGen C0950123, MeSH D030342.
Episodic ataxia type 2 (EA2). Also called: ATAXIA, EPISODIC, WITH NYSTAGMUS; ATAXIA, FAMILIAL PAROXYSMAL; ACETAZOLAMIDE-RESPONSIVE HEREDITARY PAROXYSMAL CEREBELLAR ATAXIA; CEREBELLAR ATAXIA, PAROXYSMAL, ACETAZOLAMIDE-RESPONSIVE; CEREBELLOPATHY, HEREDITARY PAROXYSMAL; EPISODIC ATAXIA, NYSTAGMUS-ASSOCIATED. Identifiers: Orphanet 97, MedGen C1720416, MONDO:0007163, OMIM 108500.
Developmental and epileptic encephalopathy, 42 (DEE42A). Also called: DEVELOPMENTAL AND EPILEPTIC ENCEPHALOPATHY 42A; EPILEPTIC ENCEPHALOPATHY, EARLY INFANTILE, 42A; Epileptic encephalopathy, early infantile, 42. Identifiers: MedGen C4310716, MONDO:0014917, OMIM 617106.

Allele frequency attached by ClinVar (database versions not stated): ExAC below 0.00001; gnomAD 0.00001; gnomAD exomes 0.00001 and 0.00003; TOPMed 0.00002; 1000 Genomes Project 30x 0.00031.
gnomAD v4.1: 19 of 1,523,830 alleles (0.0012%); highest among the groups gnomAD compares: Admixed American, 0.0078%; no homozygotes.

Submissions (4):

Ambry Genetics
Classification: Uncertain significance for Inborn genetic diseases. Last evaluated: 2025-12-16. Review status: criteria provided, single submitter. Criteria: Ambry Variant Classification Scheme 2023. Collection method: clinical testing. Allele origin: germline.

Labcorp Genetics (formerly Invitae), Labcorp
Classification: Likely benign for Developmental and epileptic encephalopathy, 42; Episodic ataxia type 2. Last evaluated: 2025-07-20. Review status: criteria provided, single submitter. Criteria: Invitae Variant Classification Sherloc (09022015). Collection method: clinical testing. Allele origin: germline.

Mayo Clinic Laboratories, Mayo Clinic
Classification: Uncertain significance. Last evaluated: 2025-03-27. Review status: criteria provided, single submitter. Criteria: ACMG Guidelines, 2015. Collection method: clinical testing. Allele origin: germline. Observed: 1 variant allele.

CeGaT Center for Human Genetics Tuebingen
Classification: Uncertain significance. Last evaluated: 2024-05-01. Review status: criteria provided, single submitter. Criteria: CeGaT Center For Human Genetics Tuebingen Variant Classification Criteria Version 2. Collection method: clinical testing. Allele origin: germline. Affected: yes. Observed: 1 variant allele.
Comment: CACNA1A: PP3

NM_001127222.2(CACNA1A):c.6716G>A (p.Arg2239Gln)

Genes: CACNA1A (calcium voltage-gated channel subunit alpha1 A; minus strand), LOC130063717 (ATAC-STARR-seq lymphoblastoid silent region 10203; plus strand). Cytogenetic location: 19p13.13.
Variant type: single nucleotide variant.
Coding change: c.6716G>A on transcript NM_001127222.2 (MANE Select); coding-DNA position 6716, G replaced by A.
Protein change: p.Arg2239Gln; replaces arginine 2239 with glutamine.
Molecular consequence: missense variant.
Genome position (GRCh38, 1-based): chr19:13,208,820, C>T on the plus strand (G>A on the coding strand, the complement: CACNA1A is on the minus strand). VCF-style: chr19-13208820-C-T. GRCh37 (hg19) VCF-style: chr19-13319634-C-T.
Other names: p.Arg2240Gln; c.6734G>A, p.Arg2245Gln (NM_000068.4, NM_023035.3); c.6719G>A, p.Arg2240Gln (NM_001127221.2); c.6725G>A, p.Arg2242Gln (NM_001174080.2); short protein forms R2240Q, R2242Q, R2239Q, R2245Q.
Identifiers: ClinVar variation 588617 (VCV000588617.32), dbSNP rs753798870, ClinGen allele CA9239284.